The following is an entry in ClinVar:

NM_001048174.2(MUTYH):c.79A>G (p.Lys27Glu)

Gene: MUTYH (mutY DNA glycosylase; minus strand). Cytogenetic location: 1p34.1.
Variant type: single nucleotide variant.
Coding change: c.79A>G on transcript NM_001048174.2 (MANE Select); coding-DNA position 79, A replaced by G.
Protein change: p.Lys27Glu; replaces lysine 27 with glutamic acid.
Molecular consequence: missense variant. On other transcripts: 5 prime UTR variant (7), non-coding transcript variant (7).
Genome position (GRCh38, 1-based): chr1:45,334,427, T>C on the plus strand (A>G on the coding strand, the complement: MUTYH is on the minus strand). VCF-style: chr1-45334427-T-C. GRCh37 (hg19) VCF-style: chr1-45800099-T-C.
Other names: c.79A>G, p.Lys27Glu (NM_001048171.2, NM_001048172.2, NM_001048173.2 and 15 more transcripts); c.121A>G, p.Lys41Glu (NM_001128425.2, NM_001293190.2, NM_001407069.1 and 2 more transcripts); c.-134A>G (NM_001293192.2, NM_001293196.2, NM_001407091.1); c.-193A>G (NM_001350650.2); c.-129A>G (NM_001350651.2, NM_001407082.1); c.-78A>G (NM_001407075.1); c.97A>G, p.Lys33Glu (NM_001407087.1); short protein forms K33E, K27E, K41E.
Identifiers: ClinVar variation 2773695 (VCV002773695.3), dbSNP rs2524355983, ClinGen allele CA340137061.

ClinVar aggregate classification (germline): Uncertain significance. Review status: criteria provided, multiple submitters, no conflicts (2 of 4 stars). 2 submissions from 2 submitters: Uncertain significance (2). Last evaluated 2025-08-27.

Conditions:
Hereditary cancer-predisposing syndrome. Also called: Hereditary neoplastic syndrome; Hereditary Cancer Syndrome; Neoplastic Syndromes, Hereditary; Tumor predisposition. Identifiers: Orphanet 140162, MedGen C0027672, MeSH D009386, MONDO:0015356.

Submissions (2):

Ambry Genetics
Classification: Uncertain significance for Hereditary cancer-predisposing syndrome. Last evaluated: 2025-08-27. Review status: criteria provided, single submitter. Criteria: Ambry Variant Classification Scheme 2023. Collection method: clinical testing. Allele origin: germline.
Comment: The p.K41E variant (also known as c.121A>G), located in coding exon 2 of the MUTYH gene, results from an A to G substitution at nucleotide position 121. The lysine at codon 41 is replaced by glutamic acid, an amino acid with similar properties. This amino acid position is conserved. In addition, this alteration is predicted to be tolerated by in silico analysis. Based on the available evidence, the clinical significance of this variant remains unclear.

Color Diagnostics, LLC DBA Color Health
Classification: Uncertain significance for Hereditary cancer-predisposing syndrome. Last evaluated: 2022-08-09. Review status: criteria provided, single submitter. Criteria: ACMG Guidelines, 2015. Collection method: clinical testing. Allele origin: germline.
Comment: This missense variant replaces lysine with glutamic acid at codon 41 of the MUTYH protein. Computational prediction suggests that this variant may not impact protein structure and function (internally defined REVEL score threshold <= 0.5, PMID: 27666373). To our knowledge, functional studies have not been reported for this variant. This variant has not been reported in individuals affected with hereditary cancer in the literature. This variant has not been identified in the general population by the Genome Aggregation Database (gnomAD). The available evidence is insufficient to determine the role of this variant in disease conclusively. Therefore, this variant is classified as a Variant of Uncertain Significance.